The following is an entry in ClinVar:

NM_002432.3(MNDA):c.659C>G (p.Thr220Arg)

Gene: MNDA (myeloid cell nuclear differentiation antigen; plus strand). Cytogenetic location: 1q23.1.
Variant type: single nucleotide variant.
Coding change: c.659C>G on transcript NM_002432.3 (MANE Select); coding-DNA position 659, C replaced by G.
Protein change: p.Thr220Arg; replaces threonine 220 with arginine.
Molecular consequence: missense variant.
Genome position (GRCh38, 1-based): chr1:158,845,675, C>G. VCF-style: chr1-158845675-C-G. GRCh37 (hg19) VCF-style: chr1-158815465-C-G.
Other names: short protein forms T220R.
Identifiers: ClinVar variation 1754392 (VCV001754392.2), dbSNP rs1333628896, ClinGen allele CA343040951.

ClinVar aggregate classification (germline): Uncertain significance (1 of 4 stars; one submission).

Allele frequency attached by ClinVar (database versions not stated): gnomAD exomes below 0.00001.
gnomAD v4.1: 3 of 1,614,130 alleles (0.00019%); highest among the groups gnomAD compares: Admixed American, 0.0033%; no homozygotes.

Submission:

Ambry Genetics
Classification: Uncertain significance. Last evaluated: 2023-11-01. Review status: criteria provided, single submitter. Criteria: Ambry Variant Classification Scheme 2023. Collection method: clinical testing. Allele origin: germline.
Comment: The p.T220R variant (also known as c.659C>G), located in coding exon 4 of the MNDA gene, results from a C to G substitution at nucleotide position 659. The threonine at codon 220 is replaced by arginine, an amino acid with similar properties. This amino acid position is conserved. In addition, this alteration is predicted to be tolerated by in silico analysis. Since supporting evidence is limited at this time, the clinical significance of this alteration remains unclear.